The following is an entry in ClinVar:

ClinVar aggregate classification (germline): Benign. Review status: criteria provided, multiple submitters, no conflicts (2 of 4 stars). 5 submissions from 5 submitters: Benign (4). 1 of the submissions does not count toward it. Last evaluated 2026-02-03.

Conditions:
Multiple mitochondrial dysfunctions syndrome 1 (MMDS1). Identifiers: Orphanet 401869, MedGen C3276432, MONDO:0011582, OMIM 605711.

Allele frequency attached by ClinVar (database versions not stated): gnomAD exomes 0.00161 and 0.00408; ExAC 0.00693; ESP Exome Variant Server 0.01608; 1000 Genomes Project 0.01757; gnomAD 0.01785; 1000 Genomes Project 30x 0.01999; TOPMed 0.02016.
gnomAD v4.1: 5,163 of 1,605,588 alleles (0.32%); highest among the groups gnomAD compares: African/African-American, 6%; 164 homozygotes.

Submissions (5):

Labcorp Genetics (formerly Invitae), Labcorp
Classification: Benign for Multiple mitochondrial dysfunctions syndrome 1. Last evaluated: 2026-02-03. Review status: criteria provided, single submitter. Criteria: Invitae Variant Classification Sherloc (09022015). Collection method: clinical testing. Allele origin: germline.

Illumina Laboratory Services, Illumina
Classification: Benign for Multiple mitochondrial dysfunctions syndrome 1. Last evaluated: 2018-01-13. Review status: criteria provided, single submitter. Criteria: ICSL Variant Classification Criteria 13 December 2019. Collection method: clinical testing. Allele origin: germline.
Comment: This variant was observed in the ICSL laboratory as part of a predisposition screen in an ostensibly healthy population. It had not been previously curated by ICSL or reported in the Human Gene Mutation Database (HGMD: prior to June 1st, 2018), and was therefore a candidate for classification through an automated scoring system. Utilizing variant allele frequency, disease prevalence and penetrance estimates, and inheritance mode, an automated score was calculated to assess if this variant is too frequent to cause the disease. Based on the score and internal cut-off values, a variant classified as benign is not then subjected to further curation. The score for this variant resulted in a classification of benign for this disease.

GeneDx
Classification: Benign. Last evaluated: 2014-03-17. Review status: criteria provided, single submitter. Criteria: GeneDx Variant Classification (06012015). Collection method: clinical testing. Allele origin: germline. Affected: yes.
Comment: This variant is considered likely benign or benign based on one or more of the following criteria: it is a conservative change, it occurs at a poorly conserved position in the protein, it is predicted to be benign by multiple in silico algorithms, and/or has population frequency not consistent with disease.

Breakthrough Genomics
Classification: Benign. Review status: criteria provided, single submitter. Criteria: ACMG Guidelines, 2015. Collection method: not provided. Allele origin: germline. Inheritance: Autosomal recessive inheritance. Affected: yes.

Mayo Clinic Laboratories, Mayo Clinic
Classification: Benign. Last evaluated: 2017-08-22. Review status: no assertion criteria provided. Collection method: clinical testing. Allele origin: unknown. Not counted in ClinVar's aggregate classification.

NM_001002755.4(NFU1):c.62+9C>T

Genes: NFU1 (NFU1 iron-sulfur cluster scaffold; minus strand), LOC129934004 (ATAC-STARR-seq lymphoblastoid active region 15971; plus strand). Cytogenetic location: 2p13.3.
Variant type: single nucleotide variant.
Coding change: c.62+9C>T on transcript NM_001002755.4 (MANE Select); 9 bases into the intron after coding-DNA position 62, C replaced by T.
Molecular consequence: intron variant. On other transcripts: 5 prime UTR variant (2).
Genome position (GRCh38, 1-based): chr2:69,437,352, G>A on the plus strand (C>T on the coding strand, the complement: NFU1 is on the minus strand). VCF-style: chr2-69437352-G-A. GRCh37 (hg19) VCF-style: chr2-69664484-G-A.
Other names: c.-307C>T (NM_001002756.2); c.-92C>T (NM_015700.4); c.-11+701C>T (NM_001374284.1).
Identifiers: ClinVar variation 138518 (VCV000138518.19), dbSNP rs114846829, ClinGen allele CA292536.